The following is an entry in ClinVar:

ClinVar aggregate classification (germline): Conflicting classifications of pathogenicity. Review status: criteria provided, conflicting classifications (1 of 4 stars). 8 submissions from 8 submitters: Uncertain significance (1); Benign (1); Likely benign (5). 1 of the submissions does not count toward it. Last evaluated 2025-12-01.

Conditions:
Early-infantile DEE. Also called: Ohtahara syndrome; Early infantile epileptic encephalopathy with suppression bursts; Early infantile epileptic encephalopathy. Identifiers: Orphanet 1934, MedGen C0393706, MONDO:0800491.
SCN1A-related disorder. Also called: SCN1A-related conditions; SCN1A-related condition; SCN1A-related disorders.
Inborn genetic diseases. Identifiers: MedGen C0950123, MeSH D030342.

Allele frequency attached by ClinVar (database versions not stated): gnomAD exomes 0.00004; ExAC 0.00007; ESP Exome Variant Server 0.00008; gnomAD 0.00014 and 0.00017; TOPMed 0.00018; 1000 Genomes Project 0.00100; 1000 Genomes Project 30x 0.00109.
gnomAD v4.1: 61 of 1,612,202 alleles (0.0038%); highest among the groups gnomAD compares: African/African-American, 0.059%; no homozygotes.

Submissions (8):

Labcorp Genetics (formerly Invitae), Labcorp
Classification: Likely benign for Early-infantile DEE. Last evaluated: 2025-12-01. Review status: criteria provided, single submitter. Criteria: Invitae Variant Classification Sherloc (09022015). Collection method: clinical testing. Allele origin: germline.

CeGaT Center for Human Genetics Tuebingen
Classification: Likely benign. Last evaluated: 2025-07-01. Review status: criteria provided, single submitter. Criteria: CeGaT Center For Human Genetics Tuebingen Variant Classification Criteria Version 2. Collection method: clinical testing. Allele origin: germline. Affected: yes. Observed: 2 variant alleles.
Comment: SCN1A: BP4, BP7

Blueprint Genetics
Classification: Likely benign. Last evaluated: 2024-02-19. Review status: criteria provided, single submitter. Criteria: ACMG Guidelines, 2015. Collection method: clinical testing. Allele origin: germline.

Women's Health and Genetics/Laboratory Corporation of America, LabCorp
Classification: Likely benign. Last evaluated: 2023-01-26. Review status: criteria provided, single submitter. Criteria: LabCorp Variant Classification Summary - May 2015. Collection method: clinical testing. Allele origin: germline.

Eurofins Ntd Llc (ga)
Classification: Uncertain significance. Last evaluated: 2018-08-16. Review status: criteria provided, single submitter. Criteria: EGL ClinVar v180209 classification definitions. Collection method: clinical testing. Allele origin: germline. Observed: 1 variant allele, 1 heterozygote.

Ambry Genetics
Classification: Likely benign for Inborn genetic diseases. Last evaluated: 2017-07-12. Review status: criteria provided, single submitter. Criteria: Ambry Variant Classification Scheme 2023. Collection method: clinical testing. Allele origin: germline.

GeneDx
Classification: Benign. Last evaluated: 2015-08-07. Review status: criteria provided, single submitter. Criteria: GeneDx Variant Classification (06012015). Collection method: clinical testing. Allele origin: germline. Affected: yes.
Comment: This variant is considered likely benign or benign based on one or more of the following criteria: it is a conservative change, it occurs at a poorly conserved position in the protein, it is predicted to be benign by multiple in silico algorithms, and/or has population frequency not consistent with disease.

PreventionGenetics, part of Exact Sciences
Classification: Likely benign for SCN1A-related condition. Last evaluated: 2019-08-13. Review status: no assertion criteria provided. Collection method: clinical testing. Allele origin: germline. Not counted in ClinVar's aggregate classification.
Comment: This variant is classified as likely benign based on ACMG/AMP sequence variant interpretation guidelines (Richards et al. 2015 PMID: 25741868, with internal and published modifications).

NM_001165963.4(SCN1A):c.579C>T (p.Leu193=)

Gene: SCN1A (sodium voltage-gated channel alpha subunit 1; minus strand). Cytogenetic location: 2q24.3.
Variant type: single nucleotide variant.
Coding change: c.579C>T on transcript NM_001165963.4 (MANE Select); coding-DNA position 579, C replaced by T.
Protein change: p.Leu193=; no amino-acid change (leucine 193 retained).
Molecular consequence: synonymous variant. On other transcripts: 5 prime UTR variant (1), non-coding transcript variant (1).
Genome position (GRCh38, 1-based): chr2:166,054,661, G>A on the plus strand (C>T on the coding strand, the complement: SCN1A is on the minus strand). VCF-style: chr2-166054661-G-A. GRCh37 (hg19) VCF-style: chr2-166911171-G-A.
Other names: c.579C>T, p.Leu193= (NM_001165964.3, NM_001202435.3, NM_001353948.2 and 10 more transcripts); c.-1847C>T (NM_001353961.2); c.579C>T (NM_001202435.1).
Identifiers: ClinVar variation 378508 (VCV000378508.47), dbSNP rs116478064, ClinGen allele CA1943488.
Genomic context (GRCh38, chr2:166,054,661, plus strand): 5'-CTATGTTCTCTCTTAAAGTTTCAAAAAAGGCACTTACGCAAATGTAATGACAGTGAAATC[G>A]AGCCAGTTCCATGGATCCCGAAGGAAAGTAAAATCTTCTAAACAGAATCCCCTTGCAATA-3'
Protein context (NP_001159435.1, residues 183-203): FTFLRDPWNW[Leu193=]DFTVITFAYV